The following is an entry in ClinVar:

NM_003235.5(TG):c.3035C>T (p.Pro1012Leu)

Gene: TG (thyroglobulin; plus strand). Cytogenetic location: 8q24.22.
Variant type: single nucleotide variant.
Coding change: c.3035C>T on transcript NM_003235.5 (MANE Select); coding-DNA position 3035, C replaced by T.
Protein change: p.Pro1012Leu; replaces proline 1012 with leucine.
Molecular consequence: missense variant.
Genome position (GRCh38, 1-based): chr8:132,897,682, C>T. VCF-style: chr8-132897682-C-T. GRCh37 (hg19) VCF-style: chr8-133909927-C-T.
Other names: short protein forms P1012L.
Identifiers: ClinVar variation 225486 (VCV000225486.15), dbSNP rs115936153, ClinGen allele CA4883596.

ClinVar aggregate classification (germline): Conflicting classifications of pathogenicity. Review status: criteria provided, conflicting classifications (1 of 4 stars). 4 submissions from 4 submitters: Uncertain significance (2); Benign (2). Last evaluated 2026-02-04.

Conditions:
Iodotyrosyl coupling defect (TDH3). Also called: THYROID HORMONOGENESIS, GENETIC DEFECT IN, 3; HYPOTHYROIDISM, CONGENITAL, DUE TO DYSHORMONOGENESIS, 3. Identifiers: Orphanet 95716, MedGen C0342194, MONDO:0010135, OMIM 274700.

Allele frequency attached by ClinVar (database versions not stated): ESP Exome Variant Server 0.00008; gnomAD exomes 0.00057 and 0.00219; gnomAD 0.00159; TOPMed 0.00191; ExAC 0.00207; 1000 Genomes Project 30x 0.00828; 1000 Genomes Project 0.00938.
gnomAD v4.1: 1,144 of 1,614,212 alleles (0.071%); highest among the groups gnomAD compares: East Asian, 1.8%; 16 homozygotes.

Submissions (4):

Labcorp Genetics (formerly Invitae), Labcorp
Classification: Benign. Last evaluated: 2026-02-04. Review status: criteria provided, single submitter. Criteria: Invitae Variant Classification Sherloc (09022015). Collection method: clinical testing. Allele origin: germline.

Genetic Services Laboratory, University of Chicago
Classification: Benign. Last evaluated: 2018-06-05. Review status: criteria provided, single submitter. Criteria: ACMG Guidelines, 2015. Collection method: clinical testing. Allele origin: germline. Affected: no.

Illumina Laboratory Services, Illumina
Classification: Uncertain significance for Iodotyrosyl coupling defect. Last evaluated: 2017-04-27. Review status: criteria provided, single submitter. Criteria: ICSL Variant Classification Criteria 13 December 2019. Collection method: clinical testing. Allele origin: germline.
Comment: This variant was observed as part of a predisposition screen in an ostensibly healthy population. A literature search was performed for the gene, cDNA change, and amino acid change (where applicable). Publications were found based on this search. However, the evidence from the literature, in combination with allele frequency data from public databases where available, was not sufficient to rule this variant in or out of causing disease. Therefore, this variant is classified as a variant of unknown significance.

Soonchunhyang University Bucheon Hospital, Soonchunhyang University Medical Center
Classification: Uncertain significance for Iodotyrosyl coupling defect. Last evaluated: 2016-03-18. Review status: criteria provided, single submitter. Criteria: ACMG Guidelines, 2015. Collection method: reference population. Allele origin: germline. Observed: 6 variant alleles.

Literature cited by the submitters: PubMed 20981092 (cited by Illumina Laboratory Services, Illumina); PubMed 16720658 (cited by Illumina Laboratory Services, Illumina and Soonchunhyang University Bucheon Hospital, Soonchunhyang University Medical Center).